The following is an entry in ClinVar:

ClinVar aggregate classification (germline): Conflicting classifications of pathogenicity. Review status: criteria provided, conflicting classifications (1 of 4 stars). 2 submissions from 2 submitters: Uncertain significance (1); Likely benign (1). Last evaluated 2023-03-23.

Conditions:
Hereditary cancer-predisposing syndrome. Also called: Hereditary Cancer Syndrome; Hereditary neoplastic syndrome; Neoplastic Syndromes, Hereditary; Tumor predisposition. Identifiers: Orphanet 140162, MedGen C0027672, MeSH D009386, MONDO:0015356.

Submissions (2):

University of Washington Department of Laboratory Medicine, University of Washington
Classification: Likely benign for Hereditary cancer-predisposing syndrome. Last evaluated: 2023-03-23. Review status: criteria provided, single submitter. Criteria: Dines et al. (Genet Med. 2020). Collection method: curation. Allele origin: germline.
Comment: Missense variant in a coldspot region where missense variants are very unlikely to be pathogenic (PMID:31911673).

BRCA1 coldspot (exon 11 using historical exon numbering). Reclassification based on statistical prior probability

Ambry Genetics
Classification: Uncertain significance for Hereditary cancer-predisposing syndrome. Last evaluated: 2016-05-06. Review status: criteria provided, single submitter. Criteria: Ambry Variant Classification Scheme 2023. Collection method: clinical testing. Allele origin: germline.
Comment: The p.Q1182L variant (also known as c.3545A>T), located in coding exon 9 of the BRCA1 gene, results from an A to T substitution at nucleotide position 3545. The glutamine at codon 1182 is replaced by leucine, an amino acid with dissimilar properties. This variant was not reported in population based cohorts in the following databases: Database of Single Nucleotide Polymorphisms (dbSNP), NHLBI Exome Sequencing Project (ESP), and 1000 Genomes Project. In the ESP, this variant was not observed in 6503 samples (13006 alleles) with coverage at this position. To date, this alteration has been detected with an allele frequency of approximately 0.0004% (greater than 225000 alleles tested) in our clinical cohort. This amino acid position is not well conserved in available vertebrate species. In addition, this alteration is predicted to be tolerated by in silico analysis. Since supporting evidence is limited at this time, the clinical significance of this alteration remains unclear.

NM_007294.4(BRCA1):c.3545A>T (p.Gln1182Leu)

Genes: BRCA1 (BRCA1 DNA repair associated; minus strand), LOC126862571 (BRD4-independent group 4 enhancer GRCh37_chr17:41243136-41244335; plus strand). Cytogenetic location: 17q21.31.
Variant type: single nucleotide variant.
Coding change: c.3545A>T on transcript NM_007294.4 (MANE Select); coding-DNA position 3545, A replaced by T.
Protein change: p.Gln1182Leu; replaces glutamine 1182 with leucine.
Molecular consequence: missense variant. On other transcripts: intron variant (135).
Genome position (GRCh38, 1-based): chr17:43,091,986, T>A on the plus strand (A>T on the coding strand, the complement: BRCA1 is on the minus strand). VCF-style: chr17-43091986-T-A. GRCh37 (hg19) VCF-style: chr17-41244003-T-A.
Other names: c.3419A>T, p.Gln1140Leu (NM_001407671.1, NM_001407673.1, NM_001407672.1 and 11 more transcripts); c.941A>T, p.Gln314Leu (NM_001407968.1, NM_001407969.1); c.3422A>T, p.Gln1141Leu (NM_001407675.1, NM_001407678.1, NM_001407674.1 and 19 more transcripts); c.407-954A>T (NM_001408510.1); c.644-954A>T (NM_001408470.1, NM_001408464.1, NM_001408468.1 and 3 more transcripts); c.647-954A>T (NM_001408469.1, NM_001408458.1, NM_001408453.1 and 11 more transcripts); c.3404A>T, p.Gln1135Leu (NM_007297.4, NM_001407692.1, NM_001407694.1 and 29 more transcripts); c.3545A>T, p.Gln1182Leu (NM_007300.4, NM_001407581.1, NM_001407582.1 and 30 more transcripts); and 41 more; short protein forms Q1182L, Q1135L, Q1071L, Q1112L, Q314L, Q886L, Q1094L, Q1156L.
Identifiers: ClinVar variation 441338 (VCV000441338.8), dbSNP rs1555587532, ClinGen allele CA10594876.